The following is an entry in ClinVar:

NM_001009944.3(PKD1):c.9298C>T (p.Gln3100Ter)

Gene: PKD1 (polycystin 1, transient receptor potential channel interacting; minus strand). Cytogenetic location: 16p13.3.
Variant type: single nucleotide variant.
Coding change: c.9298C>T on transcript NM_001009944.3 (MANE Select); coding-DNA position 9298, C replaced by T.
Protein change: p.Gln3100Ter; replaces glutamine 3100 with a stop codon.
Molecular consequence: nonsense.
Genome position (GRCh38, 1-based): chr16:2,102,160, G>A on the plus strand (C>T on the coding strand, the complement: PKD1 is on the minus strand). VCF-style: chr16-2102160-G-A. GRCh37 (hg19) VCF-style: chr16-2152161-G-A.
Other names: c.9298C>T, p.Gln3100Ter (NM_000296.4); short protein forms Q3100*.
Identifiers: ClinVar variation 636981 (VCV000636981.5), dbSNP rs1596520985, ClinGen allele CA394357977.

ClinVar aggregate classification (germline): Pathogenic. Review status: criteria provided, multiple submitters, no conflicts (2 of 4 stars). 4 submissions from 4 submitters: Pathogenic (4). Last evaluated 2023-12-21.

Conditions:
PKD1-related disorder. Also called: PKD1-related condition.
Polycystic kidney disease, adult type (PKD1). Also called: POLYCYSTIC KIDNEY DISEASE 1 WITH OR WITHOUT POLYCYSTIC LIVER DISEASE; POLYCYSTIC KIDNEY DISEASE, ADULT, TYPE I; Polycystic Kidney Disease 1, Autosomal Dominant; Polycystic kidney disease 1; Polycystic kidney disease 1, severe; Polycystic Kidney, Autosomal Dominant. Identifiers: MedGen C3149841, MONDO:0008263, OMIM 173900.

Submissions (4):

Victorian Clinical Genetics Services, Murdoch Childrens Research Institute
Classification: Pathogenic for Polycystic kidney disease, adult type. Last evaluated: 2023-12-21. Review status: criteria provided, single submitter. Criteria: ACMG Guidelines, 2015. Collection method: clinical testing. Allele origin: germline. Inheritance: Autosomal dominant inheritance. Affected: yes.
Comment: Based on the classification scheme VCGS_Germline_v1.3.4, this variant is classified as Pathogenic. Following criteria are met: 0102 - Loss of function is a known mechanism of disease in this gene and is associated with polycystic kidney disease 1 (MIM#173900). (I) 0107 - This gene is associated with autosomal dominant disease. Polycystic kidney disease 1 (MIM#173900) is predominantly caused by monoallelic variants, with rare reports of biallelic variants causing disease (OMIM). (I) 0201 - Variant is predicted to cause nonsense-mediated decay (NMD) and loss of protein (premature termination codon is located at least 54 nucleotides upstream of the final exon-exon junction). (SP) 0251 - This variant is heterozygous. (I) 0301 - Variant is absent from gnomAD (both v2 and v3). (SP) 0701 - Other NMD-predicted variants comparable to the one identified in this case have very strong previous evidence for pathogenicity (DECIPHER). (SP) 0802 - This variant has moderate previous evidence of pathogenicity in unrelated individuals. This variant has been reported as likely pathogenic, and observed in at least two individuals with polycystic kidney disease (ClinVar, PMID: 23300259, PMID: 27499327). (SP) 0905 - No published segregation evidence has been identified for this variant. (I) 1007 - No published functional evidence has been identified for this variant. (I) 1208 - Inheritance information for this variant is not currently available in this individual. (I) Legend: (SP) - Supporting pathogenic, (I) - Information, (SB) - Supporting benign

Cavalleri Lab, Royal College of Surgeons in Ireland
Classification: Pathogenic for Polycystic kidney disease, adult type. Last evaluated: 2020-02-05. Review status: criteria provided, single submitter. Criteria: ACMG Guidelines, 2015. Collection method: research. Allele origin: unknown. Inheritance: Autosomal dominant inheritance. Affected: yes.
Comment: PVS1, PM2, PP4

Blueprint Genetics
Classification: Pathogenic for PKD1-related disorders. Last evaluated: 2019-03-06. Review status: criteria provided, single submitter. Criteria: ACMG Guidelines, 2015. Collection method: clinical testing. Allele origin: germline. Affected: yes. Observed: 1 variant allele.

Juno Genomics, Hangzhou Juno Genomics, Inc
Classification: Pathogenic for Polycystic kidney disease, adult type. Review status: criteria provided, single submitter. Criteria: ACMG Guidelines, 2015. Collection method: clinical testing. Allele origin: germline. Affected: yes.
Comment: Absent from controls (or at extremely low frequency if recessive) in Genome Aggregation Database.;Null variant in a gene where loss of function (LOF) is a known mechanism of disease.;The prevalence of the variant in affected individuals is significantly increased compared to the prevalence in controls.;Patient's phenotype or family history is highly specific for a disease with a single genetic etiology.

Literature cited by the submitters: PubMed 23300259 (cited by Victorian Clinical Genetics Services, Murdoch Childrens Research Institute); PubMed 27499327 (cited by Victorian Clinical Genetics Services, Murdoch Childrens Research Institute).